The following is an entry in ClinVar:

NM_000090.4(COL3A1):c.3572G>A (p.Gly1191Asp)

Gene: COL3A1 (collagen type III alpha 1 chain; plus strand). Cytogenetic location: 2q32.2.
Variant type: single nucleotide variant.
Coding change: c.3572G>A on transcript NM_000090.4 (MANE Select); coding-DNA position 3572, G replaced by A.
Protein change: p.Gly1191Asp; replaces glycine 1191 with aspartic acid.
Molecular consequence: missense variant.
Genome position (GRCh38, 1-based): chr2:189,008,970, G>A. VCF-style: chr2-189008970-G-A. GRCh37 (hg19) VCF-style: chr2-189873696-G-A.
Identifiers: ClinVar variation 101466 (VCV000101466.10), dbSNP rs587779703, ClinGen allele CA006679.

ClinVar aggregate classification (germline): Likely pathogenic. Review status: criteria provided, single submitter (1 of 4 stars). 2 submissions from 2 submitters: Likely pathogenic (1). 1 of the submissions does not count toward it. Last evaluated 2020-01-30.

Conditions:
Ehlers-Danlos syndrome, type 4 (EDSVASC). Also called: Ehlers-Danlos syndrome vascular type; Ehlers Danlos syndrome, ecchymotic type; Ehlers Danlos syndrome, arterial type; Ehlers Danlos syndrome, Sack-Barabas type; Ehlers-Danlos Syndrome Type IV. Identifiers: Orphanet 286, MedGen C0268338, MONDO:0017314, OMIM 130050.

Submissions (2):

ARUP Laboratories, Molecular Genetics and Genomics, ARUP Laboratories
Classification: Likely pathogenic. Last evaluated: 2020-01-30. Review status: criteria provided, single submitter. Criteria: ARUP Molecular Germline Variant Investigation Process. Collection method: clinical testing. Allele origin: germline.
Comment: The COL3A1 c.3572G>A; p.Gly1191Asp variant (rs587779703) is reported in the literature in an individual affected with vascular Ehlers-Danlos syndrome (Pepin 2014). This variant is absent from general population databases (Exome Variant Server, Genome Aggregation Database), indicating it is not a common polymorphism. This variant alters a highly conserved glycine residue in the triple helical domain, which has been shown to disrupt the formation of the collagen helix and lead to connective tissue disorders (Persikov 2004, Weerakkody 2016). Based on available information, this variant is considered to be likely pathogenic. References: Pepin MG et al. Survival is affected by mutation type and molecular mechanism in vascular Ehlers-Danlos syndrome (EDS type IV). Genet Med. 2014 Dec;16(12):881-8. Persikov A et al. Stability related bias in residues replacing glycines within the collagen triple helix (Gly-Xaa-Yaa) in inherited connective tissue disorders. Hum Mutat. 2004 Oct;24(4):330-7. Weerakkody R et al. Targeted next-generation sequencing makes new molecular diagnoses and expands genotype-phenotype relationship in Ehlers-Danlos syndrome. Genet Med. 2016; 18(11):1119-1127.

Collagen Diagnostic Laboratory, University of Washington
Classification: Pathogenic for Ehlers-Danlos syndrome, type 4. Review status: no assertion criteria provided. Collection method: clinical testing. Allele origin: germline. Affected: yes. Not counted in ClinVar's aggregate classification.